The following is an entry in ClinVar:

ClinVar aggregate classification (germline): Uncertain significance (1 of 4 stars; one submission).

Conditions:
2-aminoadipic 2-oxoadipic aciduria (AAKAD). Also called: Aminoadipic aciduria; ALPHA-AMINOADIPIC AND ALPHA-KETOADIPIC ACIDURIA. Identifiers: Orphanet 79154, MedGen C1859817, MONDO:0008774, OMIM 204750.

Submission:

Labcorp Genetics (formerly Invitae), Labcorp
Classification: Uncertain significance for 2-aminoadipic 2-oxoadipic aciduria. Last evaluated: 2023-06-07. Review status: criteria provided, single submitter. Criteria: Invitae Variant Classification Sherloc (09022015). Collection method: clinical testing. Allele origin: unknown.
Comment: In summary, the available evidence is currently insufficient to determine the role of this variant in disease. Therefore, it has been classified as a Variant of Uncertain Significance. Experimental studies and prediction algorithms are not available or were not evaluated, and the functional significance of this variant is currently unknown. This variant has not been reported in the literature in individuals affected with DHTKD1-related conditions. This variant is a gross deletion of the genomic region encompassing exon(s) 11-12 of the DHTKD1 gene. This variant would be expected to be in-frame, preserving the integrity of the reading frame.

NC_000010.10:g.(?_12148225)_(12150034_?)del

Gene: DHTKD1 (dehydrogenase E1 and transketolase domain containing 1; plus strand). Cytogenetic location: 10p14.
Variant type: Deletion.
Identifiers: ClinVar variation 3244852 (VCV003244852.1).